The following is an entry in ClinVar:

ClinVar aggregate classification (germline): Benign. Review status: criteria provided, multiple submitters, no conflicts (2 of 4 stars). 5 submissions from 3 submitters: Benign (5). Last evaluated 2021-07-15.

Conditions:
Adermatoglyphia (ADERM). Also called: Isolated congenital adermatoglyphia; FINGERPRINTS, ABSENCE OF. Identifiers: Orphanet 289465, MedGen C1852150, MONDO:0007619, OMIM 136000, HP:0007455.
Keratoderma with scleroatrophy of the extremities (HRZ). Also called: HURIEZ SYNDROME; SCLEROATROPHIC AND KERATOTIC DERMATOSIS OF LIMBS; Palmoplantar keratoderma-sclerodactyly syndrome. Identifiers: Orphanet 384, MedGen C0406767, MONDO:0008416, OMIM 181600.
Basan syndrome. Also called: ECTODERMAL DYSPLASIA, ABSENT DERMATOGLYPHIC PATTERN, CHANGES IN NAILS, AND SIMIAN CREASE; Absence of fingerprints-congenital milia syndrome; Absence of fingerprints congenital milia; Absence of dermatoglyphics congenital milia; Baird syndrome. Identifiers: Orphanet 1658, MedGen C0406707, MONDO:0007507, OMIM 129200.

Allele frequency attached by ClinVar (database versions not stated): gnomAD exomes 0.60515 and 0.63806; gnomAD 0.69301 and 0.69652; ExAC 0.69307; ESP Exome Variant Server 0.70194; TOPMed 0.71194; 1000 Genomes Project 0.73063; 1000 Genomes Project 30x 0.73735.
gnomAD v4.1: 954,507 of 1,554,320 alleles (61%); highest among the groups gnomAD compares: African/African-American, 91%; 298,631 homozygotes.

Submissions (5):

Genome-Nilou Lab
Classification: Benign for Adermatoglyphia. Last evaluated: 2021-07-15. Review status: criteria provided, single submitter. Criteria: ACMG Guidelines, 2015. Collection method: clinical testing. Allele origin: germline. Affected: no.

Genome-Nilou Lab
Classification: Benign for Basan syndrome. Last evaluated: 2021-07-15. Review status: criteria provided, single submitter. Criteria: ACMG Guidelines, 2015. Collection method: clinical testing. Allele origin: germline. Affected: no.

Genome-Nilou Lab
Classification: Benign for Keratoderma with scleroatrophy of the extremities. Last evaluated: 2021-07-15. Review status: criteria provided, single submitter. Criteria: ACMG Guidelines, 2015. Collection method: clinical testing. Allele origin: germline. Affected: no.

GeneDx
Classification: Benign. Last evaluated: 2018-11-12. Review status: criteria provided, single submitter. Criteria: GeneDx Variant Classification Process June 2021. Collection method: clinical testing. Allele origin: germline. Affected: yes.
Comment: This variant is associated with the following publications: (PMID: 29874175)

Breakthrough Genomics
Classification: Benign. Review status: criteria provided, single submitter. Criteria: ACMG Guidelines, 2015. Collection method: not provided. Allele origin: germline. Inheritance: Autosomal dominant inheritance. Affected: yes.

NM_020159.5(SMARCAD1):c.902T>C (p.Val301Ala)

Gene: SMARCAD1 (SNF2 related chromatin remodeling ATPase with DExD box 1; plus strand). Cytogenetic location: 4q22.3.
Variant type: single nucleotide variant.
Coding change: c.902T>C on transcript NM_020159.5 (MANE Select); coding-DNA position 902, T replaced by C.
Protein change: p.Val301Ala; replaces valine 301 with alanine.
Molecular consequence: missense variant. On other transcripts: non-coding transcript variant (17).
Genome position (GRCh38, 1-based): chr4:94,252,628, T>C. VCF-style: chr4-94252628-T-C. GRCh37 (hg19) VCF-style: chr4-95173779-T-C.
Other names: c.902T>C, p.Val301Ala (NM_001375858.1, NM_001128429.3, NM_001128430.2 and 2 more transcripts); c.899T>C, p.Val300Ala (NM_001375857.1); short protein forms V300A, V301A.
Identifiers: ClinVar variation 1220932 (VCV001220932.6), dbSNP rs7439869, ClinGen allele CA3013217.